The following is an entry in ClinVar:

NM_001378454.1(ALMS1):c.938del (p.Leu313fs)

Gene: ALMS1 (ALMS1 centrosome and basal body associated protein; plus strand). Cytogenetic location: 2p13.1.
Variant type: Deletion.
Coding change: c.938del on transcript NM_001378454.1 (MANE Select); coding-DNA position 938, one base deleted (T; older notation c.938delT).
Protein change: p.Leu313fs; shifts the reading frame from leucine 313.
Molecular consequence: frameshift variant.
Genome position (GRCh38, 1-based): chr2:73,424,603, T deleted; the last of 6 consecutive T bases (chr2:73,424,598-73,424,603); deleting any one gives the same sequence. VCF-style (leftmost placement, unchanged base first): chr2-73424597-CT-C. GRCh37 (hg19) VCF-style: chr2-73651725-CT-C.
Other names: c.941del, p.Leu314fs (NM_015120.4); short protein forms L313fs, L314fs.
Identifiers: ClinVar variation 4059728 (VCV004059728.2).

ClinVar aggregate classification (germline): Likely pathogenic (1 of 4 stars; one submission).

Conditions:
Alstrom syndrome (ALMS). Identifiers: Orphanet 64, MedGen C0268425, MONDO:0008763, OMIM 203800.

Submission:

Natera, Inc.
Classification: Likely pathogenic for Alstrom syndrome. Last evaluated: 2025-01-22. Review status: criteria provided, single submitter. Criteria: Natera Variant Classification Schema (03/2026). Collection method: clinical testing. Allele origin: germline.
Comment: The c.941del variant in ALMS1 is a frameshift variant predicted to shift the reading frame beginning at codon 314 and leads to a stop codon 18 codons downstream. This variant is expected to result in nonsense mediated decay, truncation, or a dysfunctional protein product. This variant is rare in the general population with a frequency below the threshold expected for the associated phenotype(s). Given the available evidence, this variant is classified as Likely Pathogenic.